The following is an entry in ClinVar:

NM_000352.6(ABCC8):c.579+2T>A

Gene: ABCC8 (ATP binding cassette subfamily C member 8; minus strand). Cytogenetic location: 11p15.1.
Variant type: single nucleotide variant.
Coding change: c.579+2T>A on transcript NM_000352.6 (MANE Select); the canonical splice donor site of the intron after coding-DNA position 579, T replaced by A.
Molecular consequence: splice donor variant.
Genome position (GRCh38, 1-based): chr11:17,463,436, A>T on the plus strand (T>A on the coding strand, the complement: ABCC8 is on the minus strand). VCF-style: chr11-17463436-A-T. GRCh37 (hg19) VCF-style: chr11-17484983-A-T.
Other names: c.579+2T>A (NM_001351297.2, NM_001351296.2, NM_001351295.2 and 2 more transcripts).
Identifiers: ClinVar variation 555287 (VCV000555287.10), dbSNP rs1449198328, ClinGen allele CA379779847.

ClinVar aggregate classification (germline): Conflicting classifications of pathogenicity. Review status: criteria provided, conflicting classifications (1 of 4 stars). 7 submissions from 6 submitters: Likely pathogenic (3); Uncertain significance (3). 1 of the submissions does not count toward it. Last evaluated 2025-05-26.

Conditions:
Familial hyperinsulinism. Also called: Congenital hyperinsulinism. Identifiers: Orphanet 276525, MedGen C3888018, MONDO:0017182. Disease mechanism: loss of function.
Maturity-onset diabetes of the young (MODY). Also called: Maturity onset diabetes mellitus in young. Identifiers: Orphanet 552, MedGen C0342276, MONDO:0018911, HP:0004904.
Hyperinsulinemic hypoglycemia, familial, 1 (HHF1). Also called: HYPERINSULINISM, FAMILIAL, WITH PANCREATIC NESIDIOBLASTOSIS; HYPOGLYCEMIA, HYPERINSULINEMIC, OF INFANCY; Persistent hyperinsulinemic hypoglycemia of infancy; NESIDIOBLASTOSIS OF PANCREAS; Persistent Hyperinsulinemia Hypoglycemia of Infancy. Identifiers: Orphanet 276575, Orphanet 276598, MedGen C2931832, MONDO:0009734, OMIM 256450.
Type 2 diabetes mellitus. Also called: Type II diabetes mellitus. Identifiers: MedGen C0011860, MeSH D003924, MONDO:0005148, OMIM 125853, HP:0005978.
Transitory neonatal diabetes mellitus. Also called: Transient neonatal diabetes mellitus. Identifiers: MedGen C0342273, MONDO:0020525, HP:0008255.
Hereditary hyperinsulinism.

Allele frequency attached by ClinVar (database versions not stated): gnomAD exomes below 0.00001.
gnomAD v4.1: 1 of 1,601,914 alleles (0.000062%); highest among the groups gnomAD compares: Admixed American, 0.0017%; no homozygotes.

Submissions (7):

Natera, Inc.
Classification: Likely pathogenic for Hereditary hyperinsulinism. Last evaluated: 2025-05-26. Review status: criteria provided, single submitter. Criteria: Natera Variant Classification Schema (03/2026). Collection method: clinical testing. Allele origin: germline.
Comment: The c.579+2T>A variant in ABCC8 is a canonical splice donor site variant predicted to affect pre-mRNA splicing, which may result in an abnormal transcript and altered protein product. This variant is expected to result in nonsense mediated decay, truncation, or a dysfunctional protein product. This variant is rare in the general population with a frequency below the threshold expected for the associated phenotype(s). Given the available evidence, this variant is classified as Likely Pathogenic.

Women's Health and Genetics/Laboratory Corporation of America, LabCorp
Classification: Likely pathogenic for Familial hyperinsulinism. Last evaluated: 2024-02-07. Review status: criteria provided, single submitter. Criteria: LabCorp Variant Classification Summary - May 2015. Collection method: clinical testing. Allele origin: germline.
Comment: Variant summary: ABCC8 c.579+2T>A is located in a canonical splice-site and is predicted to affect mRNA splicing resulting in a significantly altered protein due to either exon skipping, shortening, or inclusion of intronic material. Several computational tools predict a significant impact on normal splicing: Four predict the variant abolishes the 5' canonical splicing donor site. One predict the variant strengthens a cryptic 5' donor site. However, these predictions have yet to be confirmed by functional studies. The variant allele was found at a frequency of 4.3e-06 in 229928 control chromosomes. To the best of our knowledge, c.579+2T>A has not been reported in the literature in individuals affected with Familial Hyperinsulinism. These report(s) do not provide unequivocal conclusions about association of the variant with Familial Hyperinsulinism. To our knowledge, no experimental evidence demonstrating an impact on protein function has been reported. The following publication has been ascertained in the context of this evaluation (PMID: 31589614). ClinVar contains an entry for this variant (Variation ID: 555287). Based on the evidence outlined above, the variant was classified as likely pathogenic.

Baylor Genetics
Classification: Likely pathogenic for Type 2 diabetes mellitus. Last evaluated: 2023-09-05. Review status: criteria provided, single submitter. Criteria: ACMG Guidelines, 2015. Collection method: clinical testing. Allele origin: unknown.

Broad Center for Mendelian Genomics, Broad Institute of MIT and Harvard
Classification: Uncertain significance for Hyperinsulinemic hypoglycemia, familial, 1. Last evaluated: 2023-08-16. Review status: criteria provided, single submitter. Criteria: ACMG Guidelines, 2015. Collection method: curation. Allele origin: germline. Inheritance: Autosomal recessive inheritance.
Comment: The c.579+2T>A variant in ABCC8 has not been previously reported in the literature in individuals with hyperinsulinemic hypoglycemia, but has been identified in 0.003% (1/32402) of Latino/Admixed American chromosomes by the Genome Aggregation Database (gnomAD; dbSNP ID: rs1449198328). Although this variant has been seen in the general population in a heterozygous state, its frequency is low enough to be consistent with a recessive carrier frequency. This variant has also been reported in ClinVar (VariationID: 555287) and has been interpreted as likely pathogenic by Counsyl. This variant is located in the 3' splice region. Computational tools predict a splicing impact, though this information is not predictive enough to determine pathogenicity. There is an in-frame cryptic splice site 6 bases from the intron-exon boundary, providing evidence that this variant may delete 2 amino acids instead of causing loss of function. However, this information is not predictive enough to determine pathogenicity. In summary, the clinical significance of the c.579+2T>A variant is uncertain. ACMG/AMP Criteria applied: PVS1_strong, PM2_supporting (Richards 2015).

Clinical Genomics, Uppaluri K&H Personalized Medicine Clinic
Classification: Uncertain significance for Maturity-onset diabetes of the young. Review status: criteria provided, single submitter. Criteria: K & H Uppaluri Personalized Medicine Clinic Variant Classification & Assertion Criteria_Updated V.1. Collection method: research. Allele origin: unknown. Inheritance: Somatic mutation.
Comment: Mutations in ABCC8 gene are associated with both neonatal diabetes mellitus as well as MODY. Patients with this mutation may have a better response to sulfonylureas. However, no sufficient evidence is found to ascertain the role of this particular variant (rs1449198328) in MODY yet.

Clinical Genomics, Uppaluri K&H Personalized Medicine Clinic
Classification: Uncertain significance for Transitory neonatal diabetes mellitus. Review status: criteria provided, single submitter. Criteria: K & H Uppaluri Personalized Medicine Clinic Variant Classification & Assertion Criteria_Updated V.1. Collection method: research. Allele origin: unknown. Inheritance: Somatic mutation.
Comment: Mutations in ABCC8 gene are associated with both neonatal diabetes mellitus as well as MODY. Patients with this mutation may have a better response to sulfonylureas. However, no sufficient evidence is found to ascertain the role of this particular variant (rs1449198328) in neonatal diabetes yet.

Counsyl
Classification: Likely pathogenic for Hyperinsulinemic hypoglycemia, familial, 1. Last evaluated: 2017-11-30. Review status: no assertion criteria provided. Collection method: clinical testing. Allele origin: unknown. Not counted in ClinVar's aggregate classification.

Literature cited by the submitters: PubMed 31589614 (cited by Women's Health and Genetics/Laboratory Corporation of America, LabCorp); PubMed 16885549 (cited by Clinical Genomics, Uppaluri K&H Personalized Medicine Clinic); PubMed 21989597 (cited by Clinical Genomics, Uppaluri K&H Personalized Medicine Clinic); PubMed 27538677 (cited by Clinical Genomics, Uppaluri K&H Personalized Medicine Clinic); PubMed 18981553 (cited by Clinical Genomics, Uppaluri K&H Personalized Medicine Clinic); PubMed 32027066 (cited by Clinical Genomics, Uppaluri K&H Personalized Medicine Clinic); PubMed 16613899 (cited by Clinical Genomics, Uppaluri K&H Personalized Medicine Clinic); PubMed 18025408 (cited by Clinical Genomics, Uppaluri K&H Personalized Medicine Clinic); PubMed 32792356 (cited by Clinical Genomics, Uppaluri K&H Personalized Medicine Clinic).